The following is an entry in ClinVar:

NM_000051.4(ATM):c.898A>G (p.Lys300Glu)

Gene: ATM (ATM serine/threonine kinase; plus strand). Cytogenetic location: 11q22.3.
Variant type: single nucleotide variant.
Coding change: c.898A>G on transcript NM_000051.4 (MANE Select); coding-DNA position 898, A replaced by G.
Protein change: p.Lys300Glu; replaces lysine 300 with glutamic acid.
Molecular consequence: missense variant.
Genome position (GRCh38, 1-based): chr11:108,245,023, A>G. VCF-style: chr11-108245023-A-G. GRCh37 (hg19) VCF-style: chr11-108115750-A-G.
Other names: c.898A>G, p.Lys300Glu (NM_001351834.2); short protein forms K300E.
Identifiers: ClinVar variation 1211353 (VCV001211353.3), dbSNP rs2135244347, ClinGen allele CA382529645.

ClinVar aggregate classification (germline): Uncertain significance (1 of 4 stars; one submission).

Submission:

GeneDx
Classification: Uncertain significance. Last evaluated: 2020-01-14. Review status: criteria provided, single submitter. Criteria: GeneDx Variant Classification Process June 2021. Collection method: clinical testing. Allele origin: germline. Affected: yes.
Comment: Not observed in large population cohorts (Lek 2016); In silico analysis, which includes protein predictors and evolutionary conservation, supports that this variant does not alter protein structure/function; Has not been previously published as pathogenic or benign to our knowledge